The following is an entry in ClinVar:

ClinVar aggregate classification (germline): Uncertain significance. Review status: criteria provided, multiple submitters, no conflicts (2 of 4 stars). 3 submissions from 3 submitters: Uncertain significance (3). Last evaluated 2024-10-28.

Conditions:
Inborn genetic diseases. Identifiers: MedGen C0950123, MeSH D030342.

Allele frequency attached by ClinVar (database versions not stated): gnomAD exomes 0.00001.
gnomAD v4.1: 8 of 1,173,971 alleles (0.00068%); highest among the groups gnomAD compares: Non-Finnish European, 0.00091%; no homozygotes.

Submissions (3):

Labcorp Genetics (formerly Invitae), Labcorp
Classification: Uncertain significance. Last evaluated: 2024-10-28. Review status: criteria provided, single submitter. Criteria: Invitae Variant Classification Sherloc (09022015). Collection method: clinical testing. Allele origin: germline.
Comment: This sequence change replaces aspartic acid, which is acidic and polar, with glutamic acid, which is acidic and polar, at codon 248 of the NYX protein (p.Asp248Glu). This variant is not present in population databases (gnomAD no frequency). This variant has not been reported in the literature in individuals affected with NYX-related conditions. ClinVar contains an entry for this variant (Variation ID: 1349132). Invitae Evidence Modeling of protein sequence and biophysical properties (such as structural, functional, and spatial information, amino acid conservation, physicochemical variation, residue mobility, and thermodynamic stability) indicates that this missense variant is not expected to disrupt NYX protein function with a negative predictive value of 80%. In summary, the available evidence is currently insufficient to determine the role of this variant in disease. Therefore, it has been classified as a Variant of Uncertain Significance.

Ambry Genetics
Classification: Uncertain significance for Inborn genetic diseases. Last evaluated: 2024-09-10. Review status: criteria provided, single submitter. Criteria: Ambry Variant Classification Scheme 2023. Collection method: clinical testing. Allele origin: germline.

Blueprint Genetics
Classification: Uncertain significance. Last evaluated: 2022-01-17. Review status: criteria provided, single submitter. Criteria: ACMG Guidelines, 2015. Collection method: clinical testing. Allele origin: germline.

NM_001378477.3(NYX):c.729C>G (p.Asp243Glu)

Gene: NYX (nyctalopin; plus strand). Cytogenetic location: Xp11.4.
Variant type: single nucleotide variant.
Coding change: c.729C>G on transcript NM_001378477.3 (MANE Select); coding-DNA position 729, C replaced by G.
Protein change: p.Asp243Glu; replaces aspartic acid 243 with glutamic acid.
Molecular consequence: missense variant.
Genome position (GRCh38, 1-based): chrX:41,474,197, C>G. VCF-style: chrX-41474197-C-G. GRCh37 (hg19) VCF-style: chrX-41333450-C-G.
Other names: c.744C>G (NM_022567.2); c.729C>G, p.Asp243Glu (NM_022567.3); short protein forms D243E.
Identifiers: ClinVar variation 1349132 (VCV001349132.10), dbSNP rs2064377767, ClinGen allele CA412991148.
Genomic context (GRCh38, chrX:41,474,197, plus strand): 5'-CTGTGGCGTCCTGGAGCATCTGCTGCTCAACGACAACCTGCTGGCCGAGCTCCCGGCCGA[C>G]GCCTTCCGCGGCCTGCGGCGCCTGCGCACGCTCAACCTGGGTGGCAACGCGCTGGACCGC-3'
Protein context (NP_001365406.2, residues 233-253): NDNLLAELPA[Asp243Glu]AFRGLRRLRT